The following is an entry in ClinVar:

ClinVar aggregate classification (germline): Pathogenic/Likely pathogenic. Review status: criteria provided, multiple submitters, no conflicts (2 of 4 stars). 4 submissions from 4 submitters: Pathogenic (1); Likely pathogenic (3). Last evaluated 2024-11-01.

Conditions:
Hereditary nonpolyposis colorectal neoplasms. Identifiers: MedGen C0009405, MeSH D003123.
Hereditary cancer-predisposing syndrome. Also called: Neoplastic Syndromes, Hereditary; Tumor predisposition; Hereditary Cancer Syndrome; Hereditary neoplastic syndrome. Identifiers: Orphanet 140162, MedGen C0027672, MeSH D009386, MONDO:0015356.

Allele frequency attached by ClinVar (database versions not stated): gnomAD exomes below 0.00001.

Submissions (4):

Ambry Genetics
Classification: Likely pathogenic for Hereditary cancer-predisposing syndrome. Last evaluated: 2024-11-01. Review status: criteria provided, single submitter. Criteria: Ambry Variant Classification Scheme 2023. Collection method: clinical testing. Allele origin: germline.
Comment: The c.3557-1G>T intronic variant results from a G to T substitution one nucleotide upstream from coding exon 7 of the MSH6 gene. In silico splice site analysis predicts that this alteration will weaken the native splice acceptor site and may result in the creation or strengthening of a novel splice acceptor site. The resulting transcript is predicted to be in-frame and is not expected to trigger nonsense-mediated mRNAdecay. RNA studies have demonstrated that this alteration results in abnormal splicing in the set of samples tested (Ambry internal data). The exact functional effect of the altered amino acid sequence is unknown; however, the impacted region is critical for protein function (Ambry internal data). This nucleotide position is highly conserved in available vertebrate species. This variant is considered to be rare based on population cohorts in the Genome Aggregation Database (gnomAD). Based on the majority of available evidence to date, this variant is likely to be pathogenic.

Revvity Omics, Revvity
Classification: Pathogenic. Last evaluated: 2024-07-24. Review status: criteria provided, single submitter. Criteria: ACMG Guidelines, 2015. Collection method: clinical testing. Allele origin: germline.

Labcorp Genetics (formerly Invitae), Labcorp
Classification: Likely pathogenic for Hereditary nonpolyposis colorectal neoplasms. Last evaluated: 2019-05-31. Review status: criteria provided, single submitter. Criteria: Invitae Variant Classification Sherloc (09022015). Collection method: clinical testing. Allele origin: germline.
Comment: In summary, the currently available evidence indicates that the variant is pathogenic, but additional data are needed to prove that conclusively. Therefore, this variant has been classified as Likely Pathogenic. This sequence change affects an acceptor splice site in intron 6 of the MSH6 gene. It is expected to disrupt RNA splicing and likely results in an absent or disrupted protein product. This variant is not present in population databases (ExAC no frequency). This variant has not been reported in the literature in individuals with MSH6-related disease. Algorithms developed to predict the effect of sequence changes on RNA splicing suggest that this variant may disrupt the consensus splice site, but this prediction has not been confirmed by published transcriptional studies. Donor and acceptor splice site variants typically lead to a loss of protein function (PMID: 16199547), and loss-of-function variants in MSH6 are known to be pathogenic (PMID: 18269114, 24362816).

Quest Diagnostics Nichols Institute San Juan Capistrano
Classification: Likely pathogenic. Last evaluated: 2017-10-04. Review status: criteria provided, single submitter. Criteria: Quest Diagnostics criteria. Collection method: clinical testing. Allele origin: germline.

Literature cited by the submitters: PubMed 16199547 (cited by Labcorp Genetics (formerly Invitae), Labcorp); PubMed 18269114 (cited by Labcorp Genetics (formerly Invitae), Labcorp); PubMed 24362816 (cited by Labcorp Genetics (formerly Invitae), Labcorp).

NM_000179.3(MSH6):c.3557-1G>T

Gene: MSH6 (mutS homolog 6; plus strand). Cytogenetic location: 2p16.3.
Variant type: single nucleotide variant.
Coding change: c.3557-1G>T on transcript NM_000179.3 (MANE Select); the canonical splice acceptor site of the intron before coding-DNA position 3557, G replaced by T.
Molecular consequence: splice acceptor variant.
Genome position (GRCh38, 1-based): chr2:47,805,617, G>T. VCF-style: chr2-47805617-G-T. GRCh37 (hg19) VCF-style: chr2-48032756-G-T.
Other names: c.3557-1G>T (NM_001406809.1, NM_001406796.1, NM_001406808.1 and 1 more transcripts); c.2651-1G>T (NM_001406811.1, NM_001406814.1, NM_001281493.2 and 6 more transcripts); c.3260-1G>T (NM_001406805.1, NM_001406797.1, NM_001406801.1 and 10 more transcripts); c.3653-1G>T (NM_001406795.1, NM_001406802.1); c.3563-1G>T (NM_001406813.1); c.3032-1G>T (NM_001406807.1, NM_001406799.1, NM_001406806.1); c.3383-1G>T (NM_001406798.1); c.2693-1G>T (NM_001406803.1); and 7 more.
Identifiers: ClinVar variation 525764 (VCV000525764.14), dbSNP rs1114167723, ClinGen allele CA346760400.